The following is an entry in ClinVar:

ClinVar aggregate classification (germline): Uncertain significance (1 of 4 stars; one submission).

Conditions:
Holoprosencephaly 3 (HPE3). Identifiers: Orphanet 2162, MedGen C1840529, MONDO:0007733, OMIM 142945.

Allele frequency attached by ClinVar (database versions not stated): 1000 Genomes Project 0.00020; TOPMed 0.00002; gnomAD 0.00001.
gnomAD v4.1: 2 of 150,760 alleles (0.0013%); highest among the groups gnomAD compares: Admixed American, 0.013%; no homozygotes.

Submission:

Labcorp Genetics (formerly Invitae), Labcorp
Classification: Uncertain significance for Holoprosencephaly 3. Last evaluated: 2025-04-19. Review status: criteria provided, single submitter. Criteria: Invitae Variant Classification Sherloc (09022015). Collection method: clinical testing. Allele origin: germline.
Comment: This variant occurs in a non-coding region of the SHH gene. It does not change the encoded amino acid sequence of the SHH protein. This variant is not present in population databases (gnomAD no frequency). This variant has not been reported in the literature in individuals affected with SHH-related conditions. Experimental studies and prediction algorithms are not available or were not evaluated, and the effect of this variant on mRNA splicing is currently unknown. In summary, the available evidence is currently insufficient to determine the role of this variant in disease. Therefore, it has been classified as a Variant of Uncertain Significance.

NC_000007.14:g.156789388T>G

Genes: LMBR1 (limb development membrane protein 1; minus strand), SHH (sonic hedgehog signaling molecule; minus strand). Cytogenetic location: 7q36.3.
Variant type: single nucleotide variant.
Molecular consequence: intron variant (on NM_022458.4).
Genome position: GRCh38 VCF-style: chr7-156789388-T-G. GRCh37 (hg19) VCF-style: chr7-156582082-T-G.
Other names: c.360+7001A>C (NM_001363412.2); c.144+7001A>C (NM_001350954.2); c.423+7001A>C (NM_001363410.2, NM_022458.4, NM_001363409.2 and 1 more transcripts); c.-112+7001A>C (NM_001350958.2, NM_001350956.2, NM_001350955.2 and 1 more transcripts); c.54+7001A>C (NM_001350957.2, NM_001363411.2).
Identifiers: ClinVar variation 2870990 (VCV002870990.3), dbSNP rs531072327, ClinGen allele CA169823262.